The following is an entry in ClinVar:

ClinVar aggregate classification (germline): Uncertain significance (1 of 4 stars; one submission).

Conditions:
Neurodevelopmental disorder with hypotonia, brain anomalies, distinctive facies, and absent language. Also called: ReNU SYNDROME; RNU4-2-Related Neurodevelopmental Disorder; RNU4-2–Related Autosomal Dominant Neurodevelopmental Disorder. Identifiers: Orphanet 686488, MedGen C5935628, MONDO:0971172, OMIM 620851.

Submission:

Centre for Population Genomics, CPG
Classification: Uncertain significance for RNU4-2-Related Neurodevelopmental Disorder. Last evaluated: 2026-02-11. Review status: criteria provided, single submitter. Criteria: Ellingford et al. (Genome Med. 2022). Collection method: research. Allele origin: germline. Inheritance: Autosomal recessive inheritance. Affected: yes. Observed: 1 variant allele, 1 compound heterozygote.
Comment: PM2_supp,PS3_supp,PM1

NR_003137.3(RNU4-2):n.28C>G

Genes: RNU4-2 (RNA, U4 small nuclear 2; minus strand), SIRT4 (sirtuin 4; plus strand). Cytogenetic location: 12q24.23.
Variant type: single nucleotide variant.
Molecular consequence: non-coding transcript variant (on NR_003137.3).
Genome position: GRCh38 VCF-style: chr12-120291876-G-C. GRCh37 (hg19) VCF-style: chr12-120729679-G-C.
Identifiers: ClinVar variation 4795813 (VCV004795813.1).